The following is an entry in ClinVar:

NM_020312.4(COQ9):c.11C>T (p.Ala4Val)

Genes: COQ9 (coenzyme Q9; plus strand), LOC112469007 (Sharpr-MPRA regulatory region 5957; plus strand). Cytogenetic location: 16q21.
Variant type: single nucleotide variant.
Coding change: c.11C>T on transcript NM_020312.4 (MANE Select); coding-DNA position 11, C replaced by T.
Protein change: p.Ala4Val; replaces alanine 4 with valine.
Molecular consequence: missense variant.
Genome position (GRCh38, 1-based): chr16:57,447,516, C>T. VCF-style: chr16-57447516-C-T. GRCh37 (hg19) VCF-style: chr16-57481428-C-T.
Other names: c.11C>T (NM_020312.3); short protein forms A4V.
Identifiers: ClinVar variation 1350593 (VCV001350593.6), dbSNP rs2030148340, ClinGen allele CA396026362.

ClinVar aggregate classification (germline): Uncertain significance. Review status: criteria provided, multiple submitters, no conflicts (2 of 4 stars). 2 submissions from 2 submitters: Uncertain significance (2). Last evaluated 2024-03-25.

Conditions:
Inborn genetic diseases. Identifiers: MedGen C0950123, MeSH D030342.

Allele frequency attached by ClinVar (database versions not stated): gnomAD 0.00001; gnomAD exomes 0.00001.
gnomAD v4.1: 12 of 1,308,586 alleles (0.00092%); highest among the groups gnomAD compares: Non-Finnish European, 0.0011%; no homozygotes.

Submissions (2):

Ambry Genetics
Classification: Uncertain significance for Inborn genetic diseases. Last evaluated: 2024-03-25. Review status: criteria provided, single submitter. Criteria: Ambry Variant Classification Scheme 2023. Collection method: clinical testing. Allele origin: germline.

Labcorp Genetics (formerly Invitae), Labcorp
Classification: Uncertain significance. Last evaluated: 2022-02-10. Review status: criteria provided, single submitter. Criteria: Invitae Variant Classification Sherloc (09022015). Collection method: clinical testing. Allele origin: germline.
Comment: This sequence change replaces alanine, which is neutral and non-polar, with valine, which is neutral and non-polar, at codon 4 of the COQ9 protein (p.Ala4Val). This variant is not present in population databases (gnomAD no frequency). This variant has not been reported in the literature in individuals affected with COQ9-related conditions. Algorithms developed to predict the effect of missense changes on protein structure and function output the following: SIFT: "Tolerated"; PolyPhen-2: "Not Available"; Align-GVGD: "Class C0". The valine amino acid residue is found in multiple mammalian species, which suggests that this missense change does not adversely affect protein function. In summary, the available evidence is currently insufficient to determine the role of this variant in disease. Therefore, it has been classified as a Variant of Uncertain Significance.